The following is an entry in ClinVar:

ClinVar aggregate classification (germline): Uncertain significance (1 of 4 stars; one submission).

Allele frequency attached by ClinVar (database versions not stated): gnomAD exomes below 0.00001; TOPMed 0.00002.
gnomAD v4.1: 1 of 1,599,708 alleles (0.000063%); highest among the groups gnomAD compares: Admixed American, 0.0017%; no homozygotes.

Submission:

Labcorp Genetics (formerly Invitae), Labcorp
Classification: Uncertain significance. Last evaluated: 2022-07-19. Review status: criteria provided, single submitter. Criteria: Invitae Variant Classification Sherloc (09022015). Collection method: clinical testing. Allele origin: germline.
Comment: This variant has not been reported in the literature in individuals affected with CREB3L1-related conditions. In summary, the available evidence is currently insufficient to determine the role of this variant in disease. Therefore, it has been classified as a Variant of Uncertain Significance. Algorithms developed to predict the effect of missense changes on protein structure and function output the following: SIFT: "Tolerated"; PolyPhen-2: "Benign"; Align-GVGD: "Class C0". The glycine amino acid residue is found in multiple mammalian species, which suggests that this missense change does not adversely affect protein function. This variant is not present in population databases (gnomAD no frequency). This sequence change replaces aspartic acid, which is acidic and polar, with glycine, which is neutral and non-polar, at codon 489 of the CREB3L1 protein (p.Asp489Gly).

NM_052854.4(CREB3L1):c.1466A>G (p.Asp489Gly)

Gene: CREB3L1 (cAMP responsive element binding protein 3 like 1; plus strand). Cytogenetic location: 11p11.2.
Variant type: single nucleotide variant.
Coding change: c.1466A>G on transcript NM_052854.4 (MANE Select); coding-DNA position 1466, A replaced by G.
Protein change: p.Asp489Gly; replaces aspartic acid 489 with glycine.
Molecular consequence: missense variant.
Genome position (GRCh38, 1-based): chr11:46,320,471, A>G. VCF-style: chr11-46320471-A-G. GRCh37 (hg19) VCF-style: chr11-46342022-A-G.
Other names: short protein forms D489G.
Identifiers: ClinVar variation 2061431 (VCV002061431.4), dbSNP rs948097578, ClinGen allele CA221603341.